The following is an entry in ClinVar:

NM_022124.6(CDH23):c.2401G>T (p.Val801Leu)

Gene: CDH23 (cadherin related 23; plus strand). Cytogenetic location: 10q22.1.
Variant type: single nucleotide variant.
Coding change: c.2401G>T on transcript NM_022124.6 (MANE Select); coding-DNA position 2401, G replaced by T.
Protein change: p.Val801Leu; replaces valine 801 with leucine.
Molecular consequence: missense variant.
Genome position (GRCh38, 1-based): chr10:71,702,025, G>T. VCF-style: chr10-71702025-G-T. GRCh37 (hg19) VCF-style: chr10-73461782-G-T.
Other names: c.2401G>T, p.Val801Leu (NM_001171930.2, NM_001171931.2); short protein forms V801L.
Identifiers: ClinVar variation 1376910 (VCV001376910.5), dbSNP rs781663911, ClinGen allele CA5544223.

ClinVar aggregate classification (germline): Uncertain significance (1 of 4 stars; one submission).

Allele frequency attached by ClinVar (database versions not stated): gnomAD exomes 0.00001; TOPMed 0.00001; ExAC 0.00001.
gnomAD v4.1: 5 of 1,613,594 alleles (0.00031%); highest among the groups gnomAD compares: Admixed American, 0.0083%; no homozygotes.

Submission:

Labcorp Genetics (formerly Invitae), Labcorp
Classification: Uncertain significance. Last evaluated: 2022-04-09. Review status: criteria provided, single submitter. Criteria: Invitae Variant Classification Sherloc (09022015). Collection method: clinical testing. Allele origin: germline.
Comment: This sequence change replaces valine, which is neutral and non-polar, with leucine, which is neutral and non-polar, at codon 801 of the CDH23 protein (p.Val801Leu). This variant is present in population databases (rs781663911, gnomAD 0.006%). This variant has not been reported in the literature in individuals affected with CDH23-related conditions. Algorithms developed to predict the effect of missense changes on protein structure and function are either unavailable or do not agree on the potential impact of this missense change (SIFT: "Deleterious"; PolyPhen-2: "Not Available"; Align-GVGD: "Class C25"). In summary, the available evidence is currently insufficient to determine the role of this variant in disease. Therefore, it has been classified as a Variant of Uncertain Significance.